The following is an entry in ClinVar:

ClinVar aggregate classification (germline): Likely benign (1 of 4 stars; one submission).

Submission:

CeGaT Center for Human Genetics Tuebingen
Classification: Likely benign. Last evaluated: 2023-01-01. Review status: criteria provided, single submitter. Criteria: CeGaT Center For Human Genetics Tuebingen Variant Classification Criteria Version 2. Collection method: clinical testing. Allele origin: germline. Affected: yes. Observed: 1 variant allele.
Comment: COL16A1: PM2:Supporting, BP4, BP7

NM_001856.4(COL16A1):c.2133G>A (p.Gln711=)

Gene: COL16A1 (collagen type XVI alpha 1 chain; minus strand). Cytogenetic location: 1p35.2.
Variant type: single nucleotide variant.
Coding change: c.2133G>A on transcript NM_001856.4 (MANE Select); coding-DNA position 2133, G replaced by A.
Protein change: p.Gln711=; no amino-acid change (glutamine 711 retained).
Molecular consequence: synonymous variant.
Genome position (GRCh38, 1-based): chr1:31,684,550, C>T on the plus strand (G>A on the coding strand, the complement: COL16A1 is on the minus strand). VCF-style: chr1-31684550-C-T. GRCh37 (hg19) VCF-style: chr1-32150151-C-T.
Identifiers: ClinVar variation 2638604 (VCV002638604.24), dbSNP rs2522975330, ClinGen allele CA417029316.
Genomic context (GRCh38, chr1:31,684,550, plus strand): 5'-ACTCCCCGACCCCAACCACCCCGCCTGACTAACCTTTTCTCCTTTTGGCCCCGCGGGGCC[C>T]TGAACTCCAGGCTCTCCTGACAGTCCTGGCCGCCCTGTGGTGCCCGGCGTTCCAGGGTCT-3'
Protein context (NP_001847.3, residues 701-721): RPGLSGEPGV[Gln711=]GPAGPKGEKG